The following is an entry in ClinVar:

NM_000204.5(CFI):c.941-10T>C

Gene: CFI (complement factor I; minus strand). Cytogenetic location: 4q25.
Variant type: single nucleotide variant.
Coding change: c.941-10T>C on transcript NM_000204.5 (MANE Select); 10 bases into the intron before coding-DNA position 941, T replaced by C.
Molecular consequence: intron variant.
Genome position (GRCh38, 1-based): chr4:109,749,612, A>G on the plus strand (T>C on the coding strand, the complement: CFI is on the minus strand). VCF-style: chr4-109749612-A-G. GRCh37 (hg19) VCF-style: chr4-110670768-A-G.
Other names: c.920-10T>C (NM_001375282.1, NM_001375280.1, NM_001331035.2); c.941-10T>C (NM_001375281.1, NM_001375279.1); c.965-10T>C (NM_001375278.1, NM_001318057.2); c.332-10T>C (NM_001375284.1); c.884-10T>C (NM_001375283.1).
Identifiers: ClinVar variation 1177426 (VCV001177426.4), dbSNP rs2126191742, ClinGen allele CA2499217039.

ClinVar aggregate classification (germline): Uncertain significance. Review status: criteria provided, multiple submitters, no conflicts (2 of 4 stars). 2 submissions from 2 submitters: Uncertain significance (2). Last evaluated 2025-09-26.

Conditions:
Atypical hemolytic-uremic syndrome with I factor anomaly. Also called: HEMOLYTIC UREMIC SYNDROME, ATYPICAL, SUSCEPTIBILITY TO, 3; AHUS, SUSCEPTIBILITY TO, 3. Identifiers: Orphanet 2134, MedGen C2752039, MONDO:0013041, OMIM 612923.
CFI-related disorder. Also called: CFI-related condition; CFI-related disorders. Identifiers: MedGen CN239325.

Submissions (2):

Genomenon, Inc
Classification: Uncertain significance for CFI-related disorder. Last evaluated: 2025-09-26. Review status: criteria provided, single submitter. Criteria: Genomenon Sequence Variant Interpretation Standards - Updated. Collection method: curation. Allele origin: germline. Affected: no.
Comment: CFI c.941-10T>C is an intronic variant located in intron 8. This variant has been reported in the published literature (PMID:36177613). It is absent or not present at a significant frequency in gnomAD. In silico models agree that this variant is not damaging. In conclusion, we classify CFI c.941-10T>C as a variant of unknown significance.

Genomic Medicine Center of Excellence, King Faisal Specialist Hospital and Research Centre
Classification: Uncertain significance for Atypical hemolytic-uremic syndrome with I factor anomaly. Last evaluated: 2021-01-04. Review status: criteria provided, single submitter. Criteria: ACMG Guidelines, 2015. Collection method: clinical testing. Allele origin: germline. Affected: yes.

Literature cited by the submitters: PubMed 36177613 (cited by Genomenon, Inc).